The following is an entry in ClinVar:

ClinVar aggregate classification (germline): Uncertain significance. Review status: criteria provided, multiple submitters, no conflicts (2 of 4 stars). 3 submissions from 3 submitters: Uncertain significance (3). Last evaluated 2026-06-26.

Conditions:
Intellectual disability, CASK-related, X-linked. Identifiers: MedGen CN043158.
Inborn genetic diseases. Identifiers: MedGen C0950123, MeSH D030342.

Submissions (3):

Ambry Genetics
Classification: Uncertain significance for Inborn genetic diseases. Last evaluated: 2026-06-26. Review status: criteria provided, single submitter. Criteria: Ambry Variant Classification Scheme 2023. Collection method: clinical testing. Allele origin: germline.

GeneDx
Classification: Uncertain significance. Last evaluated: 2025-10-11. Review status: criteria provided, single submitter. Criteria: GeneDx Variant Classification Process June 2021. Collection method: clinical testing. Allele origin: germline. Affected: yes.
Comment: De novo variant with confirmed parentage in the heterozygous and hemizygous state in patients with autism in published literature; however, they harbored additional de novo variants that may be contributing to the phenotype (PMID: 35982159, 25363768); Not observed at significant frequency in large population cohorts (gnomAD); In silico analysis supports that this missense variant has a deleterious effect on protein structure/function; This variant is associated with the following publications: (PMID: 22495306, 28191890, 25363768, 35982159, 31785789, 28407358, 38958063)

Labcorp Genetics (formerly Invitae), Labcorp
Classification: Uncertain significance for Intellectual disability, CASK-related, X-linked. Last evaluated: 2022-07-29. Review status: criteria provided, single submitter. Criteria: Invitae Variant Classification Sherloc (09022015). Collection method: clinical testing. Allele origin: germline.
Comment: This sequence change replaces glycine, which is neutral and non-polar, with arginine, which is basic and polar, at codon 197 of the CASK protein (p.Gly197Arg). This variant is not present in population databases (gnomAD no frequency). This missense change has been observed in individual(s) with autism (PMID: 22495306, 28407358, 31785789). ClinVar contains an entry for this variant (Variation ID: 1511640). Algorithms developed to predict the effect of missense changes on protein structure and function are either unavailable or do not agree on the potential impact of this missense change (SIFT: "Deleterious"; PolyPhen-2: "Probably Damaging"; Align-GVGD: "Class C15"). In summary, the available evidence is currently insufficient to determine the role of this variant in disease. Therefore, it has been classified as a Variant of Uncertain Significance.

Literature cited by the submitters: PubMed 22495306 (cited by Labcorp Genetics (formerly Invitae), Labcorp); PubMed 28407358 (cited by Labcorp Genetics (formerly Invitae), Labcorp); PubMed 31785789 (cited by Labcorp Genetics (formerly Invitae), Labcorp).

NM_001367721.1(CASK):c.589G>A (p.Gly197Arg)

Gene: CASK (calcium/calmodulin dependent serine protein kinase; minus strand). Cytogenetic location: Xp11.4.
Variant type: single nucleotide variant.
Coding change: c.589G>A on transcript NM_001367721.1 (MANE Select); coding-DNA position 589, G replaced by A.
Protein change: p.Gly197Arg; replaces glycine 197 with arginine.
Molecular consequence: missense variant.
Genome position (GRCh38, 1-based): chrX:41,665,396, C>T on the plus strand (G>A on the coding strand, the complement: CASK is on the minus strand). VCF-style: chrX-41665396-C-T. GRCh37 (hg19) VCF-style: chrX-41524649-C-T.
Other names: c.589G>A, p.Gly197Arg (NM_001126054.3, NM_001126055.3, NM_001410745.1 and 1 more transcripts); short protein forms G197R.
Identifiers: ClinVar variation 1511640 (VCV001511640.9), dbSNP rs2067100386, ClinGen allele CA412998286.
Genomic context (GRCh38, chrX:41,665,396, plus strand): 5'-AACAACCACTGAGCAGGATAAAAAGGATCACACCGCACCCCCAGACGTCTACAGGCTTTC[C>T]GTAAGGCTCTCTTTTGACCACTTCTGGTGCCATAAAATGAGGTGTTCCAACACGTCCTAC-3'
Protein context (NP_001354650.1, residues 187-207): APEVVKREPY[Gly197Arg]KPVDVWGCGV